The following is an entry in ClinVar:

ClinVar aggregate classification (germline): Uncertain significance (1 of 4 stars; one submission).

Conditions:
Multiple endocrine neoplasia, type 1 (MEN1). Also called: MEN I; WERMER SYNDROME; Endocrine adenomatosis multiple; MEN 1; MEA I. Identifiers: Orphanet 652, MedGen C0025267, MeSH D018761, MONDO:0007540, OMIM 131100.

Submission:

Labcorp Genetics (formerly Invitae), Labcorp
Classification: Uncertain significance for Multiple endocrine neoplasia, type 1. Last evaluated: 2019-05-14. Review status: criteria provided, single submitter. Criteria: Invitae Variant Classification Sherloc (09022015). Collection method: clinical testing. Allele origin: germline.
Comment: This variant results in a copy number gain of the genomic region encompassing exons 1-2 of the MEN1 gene, which includes the initiator codon. The 5' end of this event is unknown as it extends beyond the assayed region for this gene and therefore may encompass additional genes. The 3' boundary is likely confined to intron 2 of the MEN1 gene. As the precise location of this event is unknown, it may be in tandem or it may be located elsewhere in the genome. This variant has not been reported in the literature in individuals with MEN1-related conditions. In summary, the available evidence is currently insufficient to determine the role of this variant in disease. Therefore, it has been classified as a Variant of Uncertain Significance.

NC_000011.10:g.(?_64809655)_(64810716_?)dup

Gene: MEN1 (menin 1; minus strand). Cytogenetic location: 11q13.1.
Variant type: Duplication.
Identifiers: ClinVar variation 831492 (VCV000831492.5).